The following is an entry in ClinVar:

NM_001458.5(FLNC):c.3823G>A (p.Val1275Met)

Gene: FLNC (filamin C; plus strand). Cytogenetic location: 7q32.1.
Variant type: single nucleotide variant.
Coding change: c.3823G>A on transcript NM_001458.5 (MANE Select); coding-DNA position 3823, G replaced by A.
Protein change: p.Val1275Met; replaces valine 1275 with methionine.
Molecular consequence: missense variant.
Genome position (GRCh38, 1-based): chr7:128,846,022, G>A. VCF-style: chr7-128846022-G-A. GRCh37 (hg19) VCF-style: chr7-128486076-G-A.
Other names: c.3823G>A, p.Val1275Met (NM_001127487.2); short protein forms V1275M.
Identifiers: ClinVar variation 4812643 (VCV004812643.1).

ClinVar aggregate classification (germline): Uncertain significance (1 of 4 stars; one submission).

Conditions:
Hypertrophic cardiomyopathy 26. Also called: Cardiomyopathy, familial hypertrophic, 26. Identifiers: Orphanet 75249, MedGen C4310749, MONDO:0014883, OMIM 617047.
Myofibrillar myopathy 5. Also called: Filaminopathy (type); FILAMINOPATHY, AUTOSOMAL DOMINANT. Identifiers: Orphanet 171445, MedGen C1836050, MONDO:0012289, OMIM 609524.
Distal myopathy with posterior leg and anterior hand involvement. Also called: WILLIAMS DISTAL MYOPATHY. Identifiers: Orphanet 63273, MedGen C3279722, MONDO:0013550, OMIM 614065.

gnomAD v4.1: 1 of 1,613,772 alleles (0.000062%); no homozygotes.

Submission:

Labcorp Genetics (formerly Invitae), Labcorp
Classification: Uncertain significance for Distal myopathy with posterior leg and anterior hand involvement; Myofibrillar myopathy 5; Hypertrophic cardiomyopathy 26. Last evaluated: 2025-04-10. Review status: criteria provided, single submitter. Criteria: Invitae Variant Classification Sherloc (09022015). Collection method: clinical testing. Allele origin: germline.
Comment: This sequence change replaces valine, which is neutral and non-polar, with methionine, which is neutral and non-polar, at codon 1275 of the FLNC protein (p.Val1275Met). This variant is present in population databases (rs748201886, gnomAD 0.0009%). This variant has not been reported in the literature in individuals affected with FLNC-related conditions. Invitae Evidence Modeling of protein sequence and biophysical properties (such as structural, functional, and spatial information, amino acid conservation, physicochemical variation, residue mobility, and thermodynamic stability) has been performed for this missense variant. However, the output from this modeling did not meet the statistical confidence thresholds required to predict the impact of this variant on FLNC protein function. In summary, the available evidence is currently insufficient to determine the role of this variant in disease. Therefore, it has been classified as a Variant of Uncertain Significance.